The following is an entry in ClinVar:

ClinVar aggregate classification (germline): Uncertain significance (1 of 4 stars; one submission).

Conditions:
Inborn genetic diseases. Identifiers: MedGen C0950123, MeSH D030342.

gnomAD v4.1: 33 of 1,613,080 alleles (0.002%); highest among the groups gnomAD compares: Non-Finnish European, 0.0027%; no homozygotes.

Submission:

Ambry Genetics
Classification: Uncertain significance for Inborn genetic diseases. Last evaluated: 2024-12-23. Review status: criteria provided, single submitter. Criteria: Ambry Variant Classification Scheme 2023. Collection method: clinical testing. Allele origin: germline.
Comment: The p.P294Q variant (also known as c.881C>A), located in coding exon 7 of the PAX5 gene, results from a C to A substitution at nucleotide position 881. The proline at codon 294 is replaced by glutamine, an amino acid with similar properties. This amino acid position is conserved. In addition, the in silico prediction for this alteration is inconclusive. Based on the available evidence, the clinical significance of this variant remains unclear.

NM_016734.3(PAX5):c.881C>A (p.Pro294Gln)

Gene: PAX5 (paired box 5; minus strand). Cytogenetic location: 9p13.2.
Variant type: single nucleotide variant.
Coding change: c.881C>A on transcript NM_016734.3 (MANE Select); coding-DNA position 881, C replaced by A.
Protein change: p.Pro294Gln; replaces proline 294 with glutamine.
Molecular consequence: missense variant. On other transcripts: intron variant (2).
Genome position (GRCh38, 1-based): chr9:36,923,384, G>T on the plus strand (C>A on the coding strand, the complement: PAX5 is on the minus strand). VCF-style: chr9-36923384-G-T. GRCh37 (hg19) VCF-style: chr9-36923381-G-T.
Other names: c.881C>A, p.Pro294Gln (NM_001280547.2, NM_001280548.2, NM_001280552.2); c.557C>A, p.Pro186Gln (NM_001280551.2, NM_001280556.2); c.752C>A, p.Pro251Gln (NM_001280553.2, NM_001280554.2); c.683C>A, p.Pro228Gln (NM_001280555.2); c.780+43165C>A (NM_001280550.2, NM_001280549.2); short protein forms P228Q, P251Q, P294Q, P186Q.
Identifiers: ClinVar variation 3885899 (VCV003885899.1).